The following is an entry in ClinVar:

ClinVar aggregate classification (germline): Pathogenic. Review status: criteria provided, multiple submitters, no conflicts (2 of 4 stars). 3 submissions from 3 submitters: Pathogenic (3). Last evaluated 2026-03-23.

Conditions:
Hereditary breast ovarian cancer syndrome. Also called: Hereditary breast and ovarian cancer; Breast and ovarian cancer; Hereditary breast and/or ovarian cancer syndrome; Hereditary breast and ovarian cancer syndrome; Hereditary breast and ovarian cancer syndrome (HBOC); BRCA1- and BRCA2-Associated Hereditary Breast and Ovarian Cancer. Identifiers: Orphanet 145, MedGen C0677776, MeSH D061325, MONDO:0003582. Disease mechanism: loss of function.
Hereditary cancer-predisposing syndrome. Also called: Tumor predisposition; Neoplastic Syndromes, Hereditary; Hereditary Cancer Syndrome; Hereditary neoplastic syndrome. Identifiers: Orphanet 140162, MedGen C0027672, MeSH D009386, MONDO:0015356.
Familial cancer of breast. Also called: BREAST CANCER, FAMILIAL; Hereditary breast cancer; hereditary breast carcinoma. Identifiers: Orphanet 227535, MedGen C0346153, MONDO:0016419, OMIM 114480. Disease mechanism: loss of function.

Submissions (3):

Ambry Genetics
Classification: Pathogenic for Hereditary cancer-predisposing syndrome. Last evaluated: 2026-03-23. Review status: criteria provided, single submitter. Criteria: Ambry Variant Classification Scheme 2023. Collection method: clinical testing. Allele origin: germline.
Comment: The c.8639_8643delCAACA pathogenic mutation, located in coding exon 20 of the BRCA2 gene, results from a deletion of 5 nucleotides at nucleotide positions 8639 to 8643, causing a translational frameshift with a predicted alternate stop codon (p.T2880Kfs*25). This variant is considered to be rare based on population cohorts in the Genome Aggregation Database (gnomAD). This alteration is expected to result in loss of function by premature protein truncation or nonsense-mediated mRNA decay. As such, this alteration is interpreted as a disease-causing mutation.

Labcorp Genetics (formerly Invitae), Labcorp
Classification: Pathogenic for Hereditary breast ovarian cancer syndrome. Last evaluated: 2025-07-05. Review status: criteria provided, single submitter. Criteria: Invitae Variant Classification Sherloc (09022015). Collection method: clinical testing. Allele origin: germline.
Comment: This sequence change creates a premature translational stop signal (p.Thr2880Lysfs*25) in the BRCA2 gene. It is expected to result in an absent or disrupted protein product. Loss-of-function variants in BRCA2 are known to be pathogenic (PMID: 20104584). This variant is not present in population databases (gnomAD no frequency). This premature translational stop signal has been observed in individual(s) with personal and family histories of breast and/or ovarian cancer (PMID: 18594331, 28727877). This variant is also known as c.8635del5 or c.8867del5. ClinVar contains an entry for this variant (Variation ID: 1458441). For these reasons, this variant has been classified as Pathogenic.

Baylor Genetics
Classification: Pathogenic for Familial cancer of breast. Last evaluated: 2022-04-14. Review status: criteria provided, single submitter. Criteria: ACMG Guidelines, 2015. Collection method: clinical testing. Allele origin: unknown.

Literature cited by the submitters: PubMed 18594331 (cited by Ambry Genetics and Labcorp Genetics (formerly Invitae), Labcorp); PubMed 20104584 (cited by Labcorp Genetics (formerly Invitae), Labcorp); PubMed 28727877 (cited by Labcorp Genetics (formerly Invitae), Labcorp).

NM_000059.4(BRCA2):c.8639_8643del (p.Thr2880fs)

Gene: BRCA2 (BRCA2 DNA repair associated; plus strand). Cytogenetic location: 13q13.1.
Variant type: Deletion.
Coding change: c.8639_8643del on transcript NM_000059.4 (MANE Select); coding-DNA positions 8639 to 8643, 5 bases deleted (CAACA; older notation c.8639_8643delCAACA).
Protein change: p.Thr2880fs; shifts the reading frame from threonine 2880.
Molecular consequence: frameshift variant.
Genome position (GRCh38, 1-based): chr13:32,376,676-32,376,680, CAACA deleted; deleting any 5 consecutive bases within chr13:32,376,672-32,376,680 gives the same sequence; the c. name uses the placement nearest the transcript's 3' end. VCF-style (leftmost placement, unchanged base first): chr13-32376671-AAACAC-A. GRCh37 (hg19) VCF-style: chr13-32950808-AAACAC-A.
Other names: short protein forms T2880fs.
Identifiers: ClinVar variation 1458441 (VCV001458441.12), dbSNP rs2137612282, ClinGen allele CA658761178.